The following is an entry in ClinVar:

ClinVar aggregate classification (germline): Benign/Likely benign. Review status: criteria provided, multiple submitters, no conflicts (2 of 4 stars). 4 submissions from 4 submitters: Benign (1); Likely benign (3). Last evaluated 2025-09-22.

Conditions:
Multiple endocrine neoplasia, type 1 (MEN1). Also called: MEN I; WERMER SYNDROME; Endocrine adenomatosis multiple; MEN 1; MEA I. Identifiers: Orphanet 652, MedGen C0025267, MeSH D018761, MONDO:0007540, OMIM 131100.
Hereditary cancer-predisposing syndrome. Also called: Hereditary Cancer Syndrome; Hereditary neoplastic syndrome; Tumor predisposition; Neoplastic Syndromes, Hereditary. Identifiers: Orphanet 140162, MedGen C0027672, MeSH D009386, MONDO:0015356.

Allele frequency attached by ClinVar (database versions not stated): TOPMed below 0.00001.

Submissions (4):

Color Diagnostics, LLC DBA Color Health
Classification: Likely benign for Multiple endocrine neoplasia, type 1. Last evaluated: 2025-09-22. Review status: criteria provided, single submitter. Criteria: ACMG Guidelines, 2015. Collection method: clinical testing. Allele origin: germline.

Labcorp Genetics (formerly Invitae), Labcorp
Classification: Likely benign for Multiple endocrine neoplasia, type 1. Last evaluated: 2024-11-11. Review status: criteria provided, single submitter. Criteria: Invitae Variant Classification Sherloc (09022015). Collection method: clinical testing. Allele origin: germline.

Myriad Genetics, Inc.
Classification: Benign for Multiple endocrine neoplasia, type 1. Last evaluated: 2024-11-05. Review status: criteria provided, single submitter. Criteria: Myriad Autosomal Dominant, Autosomal Recessive and X-Linked Classification Criteria (2023). Collection method: clinical testing. Allele origin: unknown.
Comment: This variant is considered benign. This variant is a silent/synonymous amino acid change and it is not expected to impact splicing.

Ambry Genetics
Classification: Likely benign for Hereditary cancer-predisposing syndrome. Last evaluated: 2022-11-16. Review status: criteria provided, single submitter. Criteria: Ambry Variant Classification Scheme 2023. Collection method: clinical testing. Allele origin: germline.

NM_001370259.2(MEN1):c.1191C>T (p.Thr397=)

Gene: MEN1 (menin 1; minus strand). Cytogenetic location: 11q13.1.
Variant type: single nucleotide variant.
Coding change: c.1191C>T on transcript NM_001370259.2 (MANE Select); coding-DNA position 1191, C replaced by T.
Protein change: p.Thr397=; no amino-acid change (threonine 397 retained).
Molecular consequence: synonymous variant.
Genome position (GRCh38, 1-based): chr11:64,805,193, G>A on the plus strand (C>T on the coding strand, the complement: MEN1 is on the minus strand). VCF-style: chr11-64805193-G-A. GRCh37 (hg19) VCF-style: chr11-64572665-G-A.
Other names: c.1206C>T, p.Thr402= (NM_130803.3, NM_130804.3, NM_000244.4 and 3 more transcripts); c.1317C>T, p.Thr439= (NM_001370251.2); c.1191C>T, p.Thr397= (NM_001370260.2, NM_001370261.2, NM_130799.3); c.1086C>T, p.Thr362= (NM_001370262.2, NM_001370263.2).
Identifiers: ClinVar variation 457282 (VCV000457282.14), dbSNP rs1166154585, ClinGen allele CA474982950.